The following is an entry in ClinVar:

NM_021930.6(RINT1):c.1782_1789del (p.Asp594fs)

Gene: RINT1 (RAD50 interactor 1; plus strand). Cytogenetic location: 7q22.3.
Variant type: Deletion.
Coding change: c.1782_1789del on transcript NM_021930.6 (MANE Select); coding-DNA positions 1782 to 1789, 8 bases deleted (CATGATTA; older notation c.1782_1789delCATGATTA).
Protein change: p.Asp594fs; shifts the reading frame from aspartic acid 594.
Molecular consequence: frameshift variant. On other transcripts: non-coding transcript variant (1).
Genome position (GRCh38, 1-based): chr7:105,563,843-105,563,850, CATGATTA deleted; deleting any 8 consecutive bases within chr7:105,563,842-105,563,850 gives the same sequence; the c. name uses the placement nearest the transcript's 3' end. VCF-style (leftmost placement, unchanged base first): chr7-105563841-GACATGATT-G. GRCh37 (hg19) VCF-style: chr7-105204288-GACATGATT-G.
Other names: c.1548_1555del, p.Asp516fs (NM_001346599.2); c.759_766del, p.Asp253fs (NM_001346600.2, NM_001346603.2); c.858_865del, p.Asp286fs (NM_001346601.2); short protein forms D253fs, D286fs, D516fs, D594fs.
Identifiers: ClinVar variation 1005692 (VCV001005692.8), dbSNP rs1791561360, ClinGen allele CA1731751325.

ClinVar aggregate classification (germline): Pathogenic (1 of 4 stars; one submission).

Submission:

Labcorp Genetics (formerly Invitae), Labcorp
Classification: Pathogenic. Last evaluated: 2022-09-19. Review status: criteria provided, single submitter. Criteria: Invitae Variant Classification Sherloc (09022015). Collection method: clinical testing. Allele origin: germline.
Comment: For these reasons, this variant has been classified as Pathogenic. ClinVar contains an entry for this variant (Variation ID: 1005692). This variant has not been reported in the literature in individuals affected with RINT1-related conditions. This variant is not present in population databases (gnomAD no frequency). This sequence change creates a premature translational stop signal (p.Asp594Glufs*9) in the RINT1 gene. It is expected to result in an absent or disrupted protein product. Loss-of-function variants in RINT1 are known to be pathogenic (PMID: 31204009).

Literature cited by the submitters: PubMed 31204009.